The following is an entry in ClinVar:

ClinVar aggregate classification (germline): Conflicting classifications of pathogenicity. Review status: criteria provided, conflicting classifications (1 of 4 stars). 3 submissions from 3 submitters: Uncertain significance (2); Likely benign (1). Last evaluated 2025-10-30.

Conditions:
Cardiomyopathy (CMYO). Also called: Cardiomyopathies. Identifiers: Orphanet 167848, MedGen C0878544, MONDO:0004994, HP:0001638. Inheritance: Various modes of inheritance.
Arrhythmogenic cardiomyopathy with wooly hair and keratoderma. Also called: Carvajal syndrome; PALMOPLANTAR KERATODERMA WITH LEFT VENTRICULAR CARDIOMYOPATHY AND WOOLLY HAIR; Arrhythmogenic cardiomyopathy with woolly hair and keratoderma; Dilated cardiomyopathy with woolly hair and keratoderma. Identifiers: Orphanet 65282, MedGen C1854063, MONDO:0011581, OMIM 605676.
Arrhythmogenic right ventricular dysplasia 8 (ARVD8). Also called: Arrhythmogenic Right Ventricular Dysplasia/Cardiomyopathy 8; ARRHYTHMOGENIC RIGHT VENTRICULAR DYSPLASIA, FAMILIAL, 8; ARRHYTHMOGENIC RIGHT VENTRICULAR CARDIOMYOPATHY 8. Identifiers: MedGen C1843896, MONDO:0011831, OMIM 607450.

Allele frequency attached by ClinVar (database versions not stated): gnomAD exomes 0.00001 and 0.00002.

Submissions (3):

GeneDx
Classification: Uncertain significance. Last evaluated: 2025-10-30. Review status: criteria provided, single submitter. Criteria: GeneDx Variant Classification Process June 2021. Collection method: clinical testing. Allele origin: germline. Affected: yes.
Comment: Not observed at significant frequency in large population cohorts (gnomAD); In silico analysis supports that this missense variant has a deleterious effect on protein structure/function; Has not been previously published as pathogenic or benign to our knowledge

Labcorp Genetics (formerly Invitae), Labcorp
Classification: Likely benign for Arrhythmogenic cardiomyopathy with wooly hair and keratoderma; Arrhythmogenic right ventricular dysplasia 8. Last evaluated: 2022-10-11. Review status: criteria provided, single submitter. Criteria: Invitae Variant Classification Sherloc (09022015). Collection method: clinical testing. Allele origin: germline.

Color Diagnostics, LLC DBA Color Health
Classification: Uncertain significance for Cardiomyopathy. Last evaluated: 2020-01-17. Review status: criteria provided, single submitter. Criteria: ACMG Guidelines, 2015. Collection method: clinical testing. Allele origin: germline.
Comment: This missense variant replaces tyrosine with histidine at codon 763 of the DSP protein. Computational prediction suggests that this variant may not impact protein structure and function (internally defined REVEL score threshold <= 0.5, PMID: 27666373). Splice site prediction tools suggest that this variant may not impact RNA splicing. To our knowledge, functional studies have not been performed for this variant. This variant has not been reported in individuals affected with cardiovascular disorders in the literature. This variant has been identified in 2/251038 chromosomes in the general population by the Genome Aggregation Database (gnomAD). The available evidence is insufficient to determine the role of this variant in disease conclusively. Therefore, this variant is classified as a Variant of Uncertain Significance.

NM_004415.4(DSP):c.2287T>C (p.Tyr763His)

Gene: DSP (desmoplakin; plus strand). Cytogenetic location: 6p24.3.
Variant type: single nucleotide variant.
Coding change: c.2287T>C on transcript NM_004415.4 (MANE Select); coding-DNA position 2287, T replaced by C.
Protein change: p.Tyr763His; replaces tyrosine 763 with histidine.
Molecular consequence: missense variant.
Genome position (GRCh38, 1-based): chr6:7,574,242, T>C. VCF-style: chr6-7574242-T-C. GRCh37 (hg19) VCF-style: chr6-7574475-T-C.
Other names: c.2287T>C, p.Tyr763His (NM_001008844.3, NM_001319034.2); c.2287T>C (LRG_423t1); short protein forms Y763H.
Identifiers: ClinVar variation 420414 (VCV000420414.11), dbSNP rs1064794463, ClinGen allele CA16618321.